The following is an entry in ClinVar:

ClinVar aggregate classification (germline): Uncertain significance. Review status: criteria provided, multiple submitters, no conflicts (2 of 4 stars). 4 submissions from 4 submitters: Uncertain significance (4). Last evaluated 2025-06-03.

Conditions:
Inborn genetic diseases. Identifiers: MedGen C0950123, MeSH D030342.
Atypical hemolytic-uremic syndrome with thrombomodulin anomaly. Also called: HEMOLYTIC UREMIC SYNDROME, ATYPICAL, SUSCEPTIBILITY TO, 6; AHUS, SUSCEPTIBILITY TO, 6. Identifiers: MedGen C2752036, MONDO:0013044, OMIM 612926. Disease mechanism: gain of function.
Thrombomodulin-related bleeding disorder (THPH12). Also called: Thrombophilia due to thrombomodulin defect. Identifiers: Orphanet 436169, MedGen C3280976, MONDO:0013775, OMIM 614486.

Allele frequency attached by ClinVar (database versions not stated): TOPMed 0.00001; gnomAD 0.00001; gnomAD exomes 0.00001.

Submissions (4):

Labcorp Genetics (formerly Invitae), Labcorp
Classification: Uncertain significance. Last evaluated: 2025-06-03. Review status: criteria provided, single submitter. Criteria: Invitae Variant Classification Sherloc (09022015). Collection method: clinical testing. Allele origin: germline.
Comment: This sequence change replaces serine, which is neutral and polar, with leucine, which is neutral and non-polar, at codon 470 of the THBD protein (p.Ser470Leu). This variant is present in population databases (no rsID available, gnomAD 0.002%). This variant has not been reported in the literature in individuals affected with THBD-related conditions. ClinVar contains an entry for this variant (Variation ID: 2113459). Invitae Evidence Modeling of protein sequence and biophysical properties (such as structural, functional, and spatial information, amino acid conservation, physicochemical variation, residue mobility, and thermodynamic stability) indicates that this missense variant is not expected to disrupt THBD protein function with a negative predictive value of 80%. In summary, the available evidence is currently insufficient to determine the role of this variant in disease. Therefore, it has been classified as a Variant of Uncertain Significance.

Fulgent Genetics
Classification: Uncertain significance for Atypical hemolytic-uremic syndrome with thrombomodulin anomaly; Thrombomodulin-related bleeding disorder. Last evaluated: 2024-01-31. Review status: criteria provided, single submitter. Criteria: ACMG Guidelines, 2015. Collection method: clinical testing. Allele origin: germline.

Ambry Genetics
Classification: Uncertain significance for Inborn genetic diseases. Last evaluated: 2023-05-31. Review status: criteria provided, single submitter. Criteria: Ambry Variant Classification Scheme 2023. Collection method: clinical testing. Allele origin: germline.

GeneDx
Classification: Uncertain significance. Last evaluated: 2022-10-05. Review status: criteria provided, single submitter. Criteria: GeneDx Variant Classification Process June 2021. Collection method: clinical testing. Allele origin: germline. Affected: yes.
Comment: In silico analysis supports that this missense variant does not alter protein structure/function; Has not been previously published as pathogenic or benign to our knowledge

NM_000361.3(THBD):c.1409C>T (p.Ser470Leu)

Gene: THBD (thrombomodulin; minus strand). Cytogenetic location: 20p11.21.
Variant type: single nucleotide variant.
Coding change: c.1409C>T on transcript NM_000361.3 (MANE Select); coding-DNA position 1409, C replaced by T.
Protein change: p.Ser470Leu; replaces serine 470 with leucine.
Molecular consequence: missense variant.
Genome position (GRCh38, 1-based): chr20:23,048,096, G>A on the plus strand (C>T on the coding strand, the complement: THBD is on the minus strand). VCF-style: chr20-23048096-G-A. GRCh37 (hg19) VCF-style: chr20-23028733-G-A.
Other names: short protein forms S470L.
Identifiers: ClinVar variation 2113459 (VCV002113459.8), dbSNP rs1020559145, ClinGen allele CA313550700.
Genomic context (GRCh38, chr20:23,048,096, plus strand): 5'-CTGTCGCCACCGTCCACCTTGCCGGAGTCACAGTCGGTGCCAATGTGGCGGGCAAGGGCC[G>A]AGTCGGGCCCGCAGATGCACTCGAAGGTACCGGGGAGGTTGTGGCACACCCCGGAGCAGA-3'
Protein context (NP_000352.1, residues 460-480): GTFECICGPD[Ser470Leu]ALARHIGTDC